The following is an entry in ClinVar:

ClinVar aggregate classification (germline): Pathogenic (1 of 4 stars; one submission).

Conditions:
Intellectual developmental disorder with speech delay and axonal peripheral neuropathy. Identifiers: MedGen C5436813, MONDO:0030849, OMIM 619099.

Submission:

Women's Health and Genetics/Laboratory Corporation of America, LabCorp
Classification: Pathogenic for Intellectual developmental disorder with speech delay and axonal peripheral neuropathy. Last evaluated: 2024-01-29. Review status: criteria provided, single submitter. Criteria: LabCorp Variant Classification Summary - May 2015. Collection method: clinical testing. Allele origin: germline.
Comment: Variant summary: NEMF c.1066C>T (p.Gln356X) results in a premature termination codon, predicted to cause a truncation of the encoded protein or absence of the protein due to nonsense mediated decay, which are commonly known mechanisms for disease. The variant was absent in 251426 control chromosomes. To our knowledge, no occurrence of c.1066C>T in individuals affected with Intellectual Developmental Disorder With Speech Delay And Axonal Peripheral Neuropathy and no experimental evidence demonstrating its impact on protein function have been reported. No submitters have cited clinical-significance assessments for this variant to ClinVar. Based on the evidence outlined above, the variant was classified as pathogenic.

NM_004713.6(NEMF):c.1066C>T (p.Gln356Ter)

Gene: NEMF (nuclear export mediator factor; minus strand). Cytogenetic location: 14q21.3.
Variant type: single nucleotide variant.
Coding change: c.1066C>T on transcript NM_004713.6 (MANE Select); coding-DNA position 1066, C replaced by T.
Protein change: p.Gln356Ter; replaces glutamine 356 with a stop codon.
Molecular consequence: nonsense.
Genome position (GRCh38, 1-based): chr14:49,829,220, G>A on the plus strand (C>T on the coding strand, the complement: NEMF is on the minus strand). VCF-style: chr14-49829220-G-A. GRCh37 (hg19) VCF-style: chr14-50295938-G-A.
Other names: c.1066C>T, p.Gln356Ter (NM_001301732.3); short protein forms Q356*.
Identifiers: ClinVar variation 3063692 (VCV003063692.1), dbSNP rs2503270978, ClinGen allele CA389628281.